The following is an entry in ClinVar:

NM_001626.6(AKT2):c.1286A>G (p.Gln429Arg)

Gene: AKT2 (AKT serine/threonine kinase 2; minus strand). Cytogenetic location: 19q13.2.
Variant type: single nucleotide variant.
Coding change: c.1286A>G on transcript NM_001626.6 (MANE Select); coding-DNA position 1286, A replaced by G.
Protein change: p.Gln429Arg; replaces glutamine 429 with arginine.
Molecular consequence: missense variant.
Genome position (GRCh38, 1-based): chr19:40,235,125, T>C on the plus strand (A>G on the coding strand, the complement: AKT2 is on the minus strand). VCF-style: chr19-40235125-T-C. GRCh37 (hg19) VCF-style: chr19-40741032-T-C.
Other names: c.1100A>G, p.Gln367Arg (NM_001243027.3, NM_001243028.3); c.1157A>G, p.Gln386Arg (NM_001330511.1); c.1286A>G (NM_001626.4); short protein forms Q367R, Q386R, Q429R.
Identifiers: ClinVar variation 1017881 (VCV001017881.10), dbSNP rs1399189737, ClinGen allele CA405865786.

ClinVar aggregate classification (germline): Uncertain significance. Review status: criteria provided, multiple submitters, no conflicts (2 of 4 stars). 2 submissions from 2 submitters: Uncertain significance (2). Last evaluated 2026-02-27.

Conditions:
Inborn genetic diseases. Identifiers: MedGen C0950123, MeSH D030342.
Type 2 diabetes mellitus. Also called: Type II diabetes mellitus. Identifiers: MedGen C0011860, MeSH D003924, MONDO:0005148, OMIM 125853, HP:0005978.
Hypoinsulinemic hypoglycemia and body hemihypertrophy. Also called: Hypoinsulinemic hypoglycemia and hemihypertrophy. Identifiers: Orphanet 293964, MedGen C3278384, MONDO:0009416, OMIM 240900.

Allele frequency attached by ClinVar (database versions not stated): gnomAD exomes below 0.00001.
gnomAD v4.1: 5 of 1,613,908 alleles (0.00031%); highest among the groups gnomAD compares: Admixed American, 0.0033%; no homozygotes.

Submissions (2):

Ambry Genetics
Classification: Uncertain significance for Inborn genetic diseases. Last evaluated: 2026-02-27. Review status: criteria provided, single submitter. Criteria: Ambry Variant Classification Scheme 2023. Collection method: clinical testing. Allele origin: germline.

Labcorp Genetics (formerly Invitae), Labcorp
Classification: Uncertain significance for Hypoinsulinemic hypoglycemia and body hemihypertrophy; Type 2 diabetes mellitus. Last evaluated: 2020-01-21. Review status: criteria provided, single submitter. Criteria: Invitae Variant Classification Sherloc (09022015). Collection method: clinical testing. Allele origin: germline.
Comment: In summary, the available evidence is currently insufficient to determine the role of this variant in disease. Therefore, it has been classified as a Variant of Uncertain Significance. Algorithms developed to predict the effect of missense changes on protein structure and function are either unavailable or do not agree on the potential impact of this missense change (SIFT: "Deleterious"; PolyPhen-2: "Benign"; Align-GVGD: "Class C35"). This variant has not been reported in the literature in individuals with AKT2-related conditions. This variant is not present in population databases (ExAC no frequency). This sequence change replaces glutamine with arginine at codon 429 of the AKT2 protein (p.Gln429Arg). The glutamine residue is highly conserved and there is a small physicochemical difference between glutamine and arginine.